The following is an entry in ClinVar:

NM_000202.8(IDS):c.196C>T (p.Gln66Ter)

Gene: IDS (iduronate 2-sulfatase; minus strand). Cytogenetic location: Xq28.
Variant type: single nucleotide variant.
Coding change: c.196C>T on transcript NM_000202.8 (MANE Select); coding-DNA position 196, C replaced by T.
Protein change: p.Gln66Ter; replaces glutamine 66 with a stop codon.
Molecular consequence: nonsense. On other transcripts: 5 prime UTR variant (1), non-coding transcript variant (1).
Genome position (GRCh38, 1-based): chrX:149,504,201, G>A on the plus strand (C>T on the coding strand, the complement: IDS is on the minus strand). VCF-style: chrX-149504201-G-A. GRCh37 (hg19) VCF-style: chrX-148585731-G-A.
Other names: c.-31C>T (NM_001166550.4); c.196C>T, p.Gln66Ter (NM_006123.5); short protein forms Q66*.
Identifiers: ClinVar variation 522777 (VCV000522777.6), dbSNP rs1557340403, ClinGen allele CA414527410.
Genomic context (GRCh38, chrX:149,504,201, plus strand): 5'-AGGTTCCCAGACATACCTGCGCAAAGGCATTCTGGAAGAGGAGGCTGTGGGATGCCAGTT[G>A]GTCAATATTTGGGGACCTCACCAGCTTATCCCCATAACAGCCCAGGGAGGGGCGCAGGTC-3'

ClinVar aggregate classification (germline): Pathogenic. Review status: criteria provided, multiple submitters, no conflicts (2 of 4 stars). 3 submissions from 3 submitters: Pathogenic (3). Last evaluated 2024-06-07.

Conditions:
Mucopolysaccharidosis, MPS-II (MPS2). Also called: Attenuated MPS (subtype; formerly known as mild MPS II); Severe MPS II; I2S deficiency; MPS 2; Hunter Syndrome; IDURONATE 2-SULFATASE DEFICIENCY. Identifiers: Orphanet 580, Orphanet 79388, MedGen C0026705, MONDO:0010674, OMIM 309900.

Submissions (3):

Laboratory of Diagnosis and Therapy of Lysosomal Disorders, University of Padova
Classification: Pathogenic for Mucopolysaccharidosis, MPS-II. Last evaluated: 2024-06-07. Review status: criteria provided, single submitter. Criteria: ACMG Guidelines, 2015. Collection method: literature only. Allele origin: germline. Affected: yes. Observed: 6 variant alleles.
Comment: Null variant (PVS1_VeryStrong), Prevalence of the variant significantly increased in affected individuals compared with controls (PS4_Supporting), Absent from controls (or at low frequency) in gnomAD database (PM2_Moderate), Patient’s phenotype or family history highly specific for the disease (PP4_Moderate)

Classification method: ACMG Guidelines [PMID:25741868] with modifications

Genomic Research Center, Shahid Beheshti University of Medical Sciences
Classification: Pathogenic for Mucopolysaccharidosis, MPS-II. Last evaluated: 2017-12-03. Review status: criteria provided, single submitter. Criteria: ACMG Guidelines, 2015. Collection method: clinical testing. Allele origin: inherited.

Department of Medical Genetics, Sanjay Gandhi Post Graduate Institute of Medical Sciences
Classification: Pathogenic for Mucopolysaccharidosis, MPS-II. Review status: criteria provided, single submitter. Criteria: ACMG Guidelines, 2015. Collection method: clinical testing. Allele origin: germline. Inheritance: X-linked recessive inheritance. Affected: yes. Observed: 2 variant alleles, 2 hemizygotes. Clinical features observed: Developmental regression (HP:0002376), Motor delay (HP:0001270), Coarse facial features (HP:0000280), Depressed nasal bridge (HP:0005280), Short stature (HP:0004322), Macrocephaly (HP:0000256).

Literature cited by the submitters: PubMed 35144014 (cited by Laboratory of Diagnosis and Therapy of Lysosomal Disorders, University of Padova); PubMed 16699754 (cited by Laboratory of Diagnosis and Therapy of Lysosomal Disorders, University of Padova); PubMed 33676511 (cited by Laboratory of Diagnosis and Therapy of Lysosomal Disorders, University of Padova); PubMed 21829674 (cited by Laboratory of Diagnosis and Therapy of Lysosomal Disorders, University of Padova); PubMed 36945845 (cited by Laboratory of Diagnosis and Therapy of Lysosomal Disorders, University of Padova).